The following is an entry in ClinVar:

ClinVar aggregate classification (germline): Likely benign (1 of 4 stars; one submission).

Submission:

CeGaT Center for Human Genetics Tuebingen
Classification: Likely benign. Last evaluated: 2022-06-01. Review status: criteria provided, single submitter. Criteria: CeGaT Center For Human Genetics Tuebingen Variant Classification Criteria Version 2. Collection method: clinical testing. Allele origin: germline. Affected: yes. Observed: 1 variant allele.
Comment: WARS1: PM2:Supporting, BP4, BP7

NM_004184.4(WARS1):c.303T>C (p.Asp101=)

Gene: WARS1 (tryptophanyl-tRNA synthetase 1; minus strand). Cytogenetic location: 14q32.2.
Variant type: single nucleotide variant.
Coding change: c.303T>C on transcript NM_004184.4 (MANE Select); coding-DNA position 303, T replaced by C.
Protein change: p.Asp101=; no amino-acid change (aspartic acid 101 retained).
Molecular consequence: synonymous variant.
Genome position (GRCh38, 1-based): chr14:100,361,718, A>G on the plus strand (T>C on the coding strand, the complement: WARS1 is on the minus strand). VCF-style: chr14-100361718-A-G. GRCh37 (hg19) VCF-style: chr14-100828055-A-G.
Other names: c.303T>C, p.Asp101= (NM_173701.2); c.180T>C, p.Asp60= (NM_213645.2, NM_213646.2).
Identifiers: ClinVar variation 2644533 (VCV002644533.24), dbSNP rs1256472633, ClinGen allele CA487890742.